The following is an entry in ClinVar:

ClinVar aggregate classification (germline): Uncertain significance (1 of 4 stars; one submission).

gnomAD v4.1: 11 of 1,571,912 alleles (0.0007%); highest among the groups gnomAD compares: African/African-American, 0.0082%; no homozygotes.

Submission:

Labcorp Genetics (formerly Invitae), Labcorp
Classification: Uncertain significance. Last evaluated: 2025-05-19. Review status: criteria provided, single submitter. Criteria: Invitae Variant Classification Sherloc (09022015). Collection method: clinical testing. Allele origin: germline.
Comment: This sequence change replaces serine, which is neutral and polar, with phenylalanine, which is neutral and non-polar, at codon 962 of the TAOK2 protein (p.Ser962Phe). This variant is present in population databases (rs368349313, gnomAD 0.02%). This variant has not been reported in the literature in individuals affected with TAOK2-related conditions. An algorithm developed to predict the effect of missense changes on protein structure and function (PolyPhen-2) suggests that this variant is likely to be disruptive. In summary, the available evidence is currently insufficient to determine the role of this variant in disease. Therefore, it has been classified as a Variant of Uncertain Significance.

NM_016151.4(TAOK2):c.2885C>T (p.Ser962Phe)

Gene: TAOK2 (TAO kinase 2; plus strand). Cytogenetic location: 16p11.2.
Variant type: single nucleotide variant.
Coding change: c.2885C>T on transcript NM_016151.4 (MANE Select); coding-DNA position 2885, C replaced by T.
Protein change: p.Ser962Phe; replaces serine 962 with phenylalanine.
Molecular consequence: missense variant. On other transcripts: intron variant (1).
Genome position (GRCh38, 1-based): chr16:29,987,157, C>T. VCF-style: chr16-29987157-C-T. GRCh37 (hg19) VCF-style: chr16-29998478-C-T.
Other names: c.2546C>T, p.Ser849Phe (NM_001252043.2); c.2232+653C>T (NM_004783.4); short protein forms S849F, S962F.
Identifiers: ClinVar variation 4763603 (VCV004763603.1).